The following is an entry in ClinVar:

ClinVar aggregate classification (germline): Uncertain significance. Review status: criteria provided, multiple submitters, no conflicts (2 of 4 stars). 2 submissions from 2 submitters: Uncertain significance (2). Last evaluated 2025-10-03.

Conditions:
Hereditary cancer-predisposing syndrome. Also called: Neoplastic Syndromes, Hereditary; Tumor predisposition; Hereditary Cancer Syndrome; Hereditary neoplastic syndrome. Identifiers: Orphanet 140162, MedGen C0027672, MeSH D009386, MONDO:0015356.

Submissions (2):

Ambry Genetics
Classification: Uncertain significance for Hereditary cancer-predisposing syndrome. Last evaluated: 2025-10-03. Review status: criteria provided, single submitter. Criteria: Ambry Variant Classification Scheme 2023. Collection method: clinical testing. Allele origin: germline.
Comment: The p.D310G variant (also known as c.929A>G), located in coding exon 10 of the RAD51D gene, results from an A to G substitution at nucleotide position 929. The aspartic acid at codon 310 is replaced by glycine, an amino acid with similar properties. This variant was not reported in population based cohorts in the following databases: Database of Single Nucleotide Polymorphisms (dbSNP), NHLBI Exome Sequencing Project (ESP), and 1000 Genomes Project. In the ESP, this variant was not observed in 6503 samples (13006 alleles) with coverage at this position. To date, this alteration has been detected with an allele frequency of approximately 0.001% (greater than 110000 alleles tested) in our clinical cohort. This amino acid position is well conserved in available vertebrate species. In addition, the in silico prediction for this alteration is inconclusive. Since supporting evidence is limited at this time, the clinical significance of this alteration remains unclear.

Color Diagnostics, LLC DBA Color Health
Classification: Uncertain significance for Hereditary cancer-predisposing syndrome. Last evaluated: 2018-11-27. Review status: criteria provided, single submitter. Criteria: ACMG Guidelines, 2015. Collection method: clinical testing. Allele origin: germline.

NM_002878.4(RAD51D):c.929A>G (p.Asp310Gly)

Genes: RAD51L3-RFFL (RAD51L3-RFFL readthrough; minus strand), RAD51D (RAD51 paralog D; minus strand). Cytogenetic location: 17q12.
Variant type: single nucleotide variant.
Coding change: c.929A>G on transcript NM_002878.4 (MANE Select); coding-DNA position 929, A replaced by G.
Protein change: p.Asp310Gly; replaces aspartic acid 310 with glycine.
Molecular consequence: missense variant. On other transcripts: non-coding transcript variant (2).
Genome position (GRCh38, 1-based): chr17:35,101,011, T>C on the plus strand (A>G on the coding strand, the complement: RAD51D is on the minus strand). VCF-style: chr17-35101011-T-C. GRCh37 (hg19) VCF-style: chr17-33428030-T-C.
Other names: c.989A>G, p.Asp330Gly (NM_001142571.2); c.593A>G, p.Asp198Gly (NM_133629.3); short protein forms D310G, D198G, D330G.
Identifiers: ClinVar variation 482188 (VCV000482188.9), dbSNP rs886052818, ClinGen allele CA399086138.